The following is an entry in ClinVar:

ClinVar aggregate classification (germline): Benign. Review status: criteria provided, multiple submitters, no conflicts (2 of 4 stars). 2 submissions from 2 submitters: Benign (2). Last evaluated 2018-06-14.

Allele frequency attached by ClinVar (database versions not stated): TOPMed 0.10799; gnomAD exomes 0.01296; gnomAD 0.10023 and 0.09415; 1000 Genomes Project 0.11382; 1000 Genomes Project 30x 0.11977.

Submissions (2):

GeneDx
Classification: Benign. Last evaluated: 2018-06-14. Review status: criteria provided, single submitter. Criteria: GeneDx Variant Classification (06012015). Collection method: clinical testing. Allele origin: germline. Affected: yes.
Comment: This variant is considered likely benign or benign based on one or more of the following criteria: it is a conservative change, it occurs at a poorly conserved position in the protein, it is predicted to be benign by multiple in silico algorithms, and/or has population frequency not consistent with disease.

Breakthrough Genomics
Classification: Benign. Review status: criteria provided, single submitter. Criteria: ACMG Guidelines, 2015. Collection method: not provided. Allele origin: germline. Inheritance: Autosomal recessive inheritance. Affected: yes.

NM_001985.2(ETFB):c.-170T>C

Gene: ETFB (electron transfer flavoprotein subunit beta; minus strand). Cytogenetic location: 19q13.41.
Variant type: single nucleotide variant.
Coding change: c.-170T>C on transcript NM_001985.2; 170 bases upstream of the start codon, T replaced by C.
Genome position (GRCh38, 1-based): chr19:51,366,496, A>G on the plus strand (T>C on the coding strand, the complement: ETFB is on the minus strand). VCF-style: chr19-51366496-A-G. GRCh37 (hg19) VCF-style: chr19-51869750-A-G.
Identifiers: ClinVar variation 676308 (VCV000676308.4), dbSNP rs7249325, ClinGen allele CA309746291.